The following is an entry in ClinVar:

ClinVar aggregate classification (germline): Benign/Likely benign. Review status: criteria provided, multiple submitters, no conflicts (2 of 4 stars). 4 submissions from 4 submitters: Benign (1); Likely benign (2). 1 of the submissions does not count toward it. Last evaluated 2026-01-25.

Conditions:
Hereditary sensory and autonomic neuropathy type 6. Also called: HSAN VI; Neuropathy, hereditary sensory and autonomic, type VI. Identifiers: Orphanet 314381, MedGen C3539003, MONDO:0013839, OMIM 614653.
Epidermolysis bullosa simplex 3, localized or generalized intermediate, with BP230 deficiency (EBS3). Also called: Epidermolysis bullosa simplex, autosomal recessive 2; Epidermolysis bullosa simplex due to BP230 deficiency. Identifiers: Orphanet 412181, MedGen C3809470, MONDO:0014180, OMIM 615425.
DST-related disorder. Also called: DST-related condition; DST-related disorders.

Allele frequency attached by ClinVar (database versions not stated): gnomAD exomes 0.00199; gnomAD 0.00947 and 0.00879; 1000 Genomes Project 0.01138; ESP Exome Variant Server 0.00859; ExAC 0.00249; TOPMed 0.00979; 1000 Genomes Project 30x 0.01280.
gnomAD v4.1: 2,599 of 1,613,820 alleles (0.16%); highest among the groups gnomAD compares: African/African-American, 3.1%; 34 homozygotes.

Submissions (4):

Labcorp Genetics (formerly Invitae), Labcorp
Classification: Benign for Epidermolysis bullosa simplex 3, localized or generalized intermediate, with BP230 deficiency; Hereditary sensory and autonomic neuropathy type 6. Last evaluated: 2026-01-25. Review status: criteria provided, single submitter. Criteria: Invitae Variant Classification Sherloc (09022015). Collection method: clinical testing. Allele origin: germline.

GeneDx
Classification: Likely benign. Last evaluated: 2021-09-26. Review status: criteria provided, single submitter. Criteria: GeneDx Variant Classification Process June 2021. Collection method: clinical testing. Allele origin: germline. Affected: yes.
Comment: See Variant Classification Assertion Criteria.

Breakthrough Genomics
Classification: Likely benign. Review status: criteria provided, single submitter. Criteria: ACMG Guidelines, 2015. Collection method: not provided. Allele origin: germline. Inheritance: Autosomal recessive inheritance. Affected: yes.

PreventionGenetics, part of Exact Sciences
Classification: Benign for DST-related condition. Last evaluated: 2024-07-09. Review status: no assertion criteria provided. Collection method: clinical testing. Allele origin: germline. Not counted in ClinVar's aggregate classification.
Comment: This variant is classified as benign based on ACMG/AMP sequence variant interpretation guidelines (Richards et al. 2015 PMID: 25741868, with internal and published modifications).

NM_001374736.1(DST):c.14151G>A (p.Ala4717=)

Genes: DST (dystonin; minus strand), LOC129389544 (MPRA-validated peak5860 silencer; plus strand). Cytogenetic location: 6p12.1.
Variant type: single nucleotide variant.
Coding change: c.14151G>A on transcript NM_001374736.1 (MANE Select); coding-DNA position 14151, G replaced by A.
Protein change: p.Ala4717=; no amino-acid change (alanine 4717 retained).
Molecular consequence: synonymous variant.
Genome position (GRCh38, 1-based): chr6:56,561,467, C>T on the plus strand (G>A on the coding strand, the complement: DST is on the minus strand). VCF-style: chr6-56561467-C-T. GRCh37 (hg19) VCF-style: chr6-56426265-C-T.
Other names: c.7794G>A, p.Ala2598= (NM_001144769.5); c.7380G>A, p.Ala2460= (NM_001144770.2); c.14151G>A, p.Ala4717= (NM_001374722.1); c.13518G>A, p.Ala4506= (NM_001374729.1); c.7260G>A, p.Ala2420= (NM_001374730.1, NM_001386100.1, NM_183380.4); c.14178G>A, p.Ala4726= (NM_001374734.1); c.6282G>A, p.Ala2094= (NM_015548.5).
Identifiers: ClinVar variation 795695 (VCV000795695.16), dbSNP rs78882406, ClinGen allele CA3868082.